The following is an entry in ClinVar:

NM_004055.5(CAPN5):c.1354A>G (p.Ile452Val)

Gene: CAPN5 (calpain 5; plus strand). Cytogenetic location: 11q13.5.
Variant type: single nucleotide variant.
Coding change: c.1354A>G on transcript NM_004055.5 (MANE Select); coding-DNA position 1354, A replaced by G.
Protein change: p.Ile452Val; replaces isoleucine 452 with valine.
Molecular consequence: missense variant.
Genome position (GRCh38, 1-based): chr11:77,120,776, A>G. VCF-style: chr11-77120776-A-G. GRCh37 (hg19) VCF-style: chr11-76831822-A-G.
Other names: c.1474A>G, p.Ile492Val (NM_001425321.1); c.1354A>G, p.Ile452Val (NM_001425322.1); c.1222A>G, p.Ile408Val (NM_001425323.1); short protein forms I408V, I452V, I492V.
Identifiers: ClinVar variation 2776715 (VCV002776715.3), dbSNP rs2496308001, ClinGen allele CA381943021.

ClinVar aggregate classification (germline): Uncertain significance (1 of 4 stars; one submission).

Allele frequency attached by ClinVar (database versions not stated): gnomAD exomes below 0.00001.

Submission:

Labcorp Genetics (formerly Invitae), Labcorp
Classification: Uncertain significance. Last evaluated: 2023-11-07. Review status: criteria provided, single submitter. Criteria: Invitae Variant Classification Sherloc (09022015). Collection method: clinical testing. Allele origin: germline.
Comment: This sequence change replaces isoleucine, which is neutral and non-polar, with valine, which is neutral and non-polar, at codon 452 of the CAPN5 protein (p.Ile452Val). This variant is not present in population databases (gnomAD no frequency). This variant has not been reported in the literature in individuals affected with CAPN5-related conditions. Advanced modeling of protein sequence and biophysical properties (such as structural, functional, and spatial information, amino acid conservation, physicochemical variation, residue mobility, and thermodynamic stability) performed at Invitae indicates that this missense variant is not expected to disrupt CAPN5 protein function with a negative predictive value of 80%. In summary, the available evidence is currently insufficient to determine the role of this variant in disease. Therefore, it has been classified as a Variant of Uncertain Significance.